The following is an entry in ClinVar:

NM_002691.4(POLD1):c.2820G>C (p.Glu940Asp)

Gene: POLD1 (DNA polymerase delta 1, catalytic subunit; plus strand). Cytogenetic location: 19q13.33.
Variant type: single nucleotide variant.
Coding change: c.2820G>C on transcript NM_002691.4 (MANE Select); coding-DNA position 2820, G replaced by C.
Protein change: p.Glu940Asp; replaces glutamic acid 940 with aspartic acid.
Molecular consequence: missense variant.
Genome position (GRCh38, 1-based): chr19:50,415,826, G>C. VCF-style: chr19-50415826-G-C. GRCh37 (hg19) VCF-style: chr19-50919083-G-C.
Other names: c.2820G>C, p.Glu940Asp (NM_001256849.1); c.2898G>C, p.Glu966Asp (NM_001308632.1); short protein forms E966D, E940D.
Identifiers: ClinVar variation 1433234 (VCV001433234.8), dbSNP rs2122482826, ClinGen allele CA406986127.

ClinVar aggregate classification (germline): Uncertain significance (1 of 4 stars; one submission).

Conditions:
POLD1-related polyposis and colorectal cancer syndrome (CRCS10). Also called: Colorectal cancer 10; COLORECTAL CANCER, SUSCEPTIBILITY TO, ON CHROMOSOME 19q; Colorectal cancer, susceptibility to, 10. Identifiers: Orphanet 220460, MedGen C2675481, MONDO:0012953, OMIM 612591.

Submission:

Labcorp Genetics (formerly Invitae), Labcorp
Classification: Uncertain significance for POLD1-related polyposis and colorectal cancer syndrome. Last evaluated: 2021-02-22. Review status: criteria provided, single submitter. Criteria: Invitae Variant Classification Sherloc (09022015). Collection method: clinical testing. Allele origin: germline.
Comment: This variant has not been reported in the literature in individuals with POLD1-related conditions. In summary, the available evidence is currently insufficient to determine the role of this variant in disease. Therefore, it has been classified as a Variant of Uncertain Significance. Algorithms developed to predict the effect of sequence changes on RNA splicing suggest that this variant may disrupt the consensus splice site, but this prediction has not been confirmed by published transcriptional studies. Algorithms developed to predict the effect of missense changes on protein structure and function are either unavailable or do not agree on the potential impact of this missense change (SIFT: "Deleterious"; PolyPhen-2: "Probably Damaging"; Align-GVGD: "Class C0"). The frequency data for this variant in the population databases is considered unreliable, as metrics indicate insufficient coverage at this position in the ExAC database. This sequence change replaces glutamic acid with aspartic acid at codon 940 of the POLD1 protein (p.Glu940Asp). The glutamic acid residue is highly conserved and there is a small physicochemical difference between glutamic acid and aspartic acid.